The following is an entry in ClinVar:

ClinVar aggregate classification (germline): Likely benign. Review status: criteria provided, multiple submitters, no conflicts (2 of 4 stars). 3 submissions from 3 submitters: Likely benign (3). Last evaluated 2026-03-27.

Conditions:
Cardiovascular phenotype. Identifiers: MedGen CN230736.
Progressive familial heart block type IB (PFHB1B). Identifiers: Orphanet 871, MedGen C1970298, MONDO:0011474, OMIM 604559.

Allele frequency attached by ClinVar (database versions not stated): ExAC 0.00006.
gnomAD v4.1: 10 of 1,555,420 alleles (0.00064%); highest among the groups gnomAD compares: African/African-American, 0.0095%; no homozygotes.

Submissions (3):

Molecular Diagnostic Laboratory for Inherited Cardiovascular Disease, Montreal Heart Institute
Classification: Likely benign. Last evaluated: 2026-03-27. Review status: criteria provided, single submitter. Criteria: ACMG Guidelines, 2015. Collection method: clinical testing. Allele origin: germline. Affected: no.
Comment: BP7

Labcorp Genetics (formerly Invitae), Labcorp
Classification: Likely benign for Progressive familial heart block type IB. Last evaluated: 2023-11-27. Review status: criteria provided, single submitter. Criteria: Invitae Variant Classification Sherloc (09022015). Collection method: clinical testing. Allele origin: germline.

Ambry Genetics
Classification: Likely benign for Cardiovascular phenotype. Last evaluated: 2020-12-17. Review status: criteria provided, single submitter. Criteria: Ambry Variant Classification Scheme 2023. Collection method: clinical testing. Allele origin: germline.

NM_017636.4(TRPM4):c.2268G>A (p.Pro756=)

Gene: TRPM4 (transient receptor potential cation channel subfamily M member 4; plus strand). Cytogenetic location: 19q13.33.
Variant type: single nucleotide variant.
Coding change: c.2268G>A on transcript NM_017636.4 (MANE Select); coding-DNA position 2268, G replaced by A.
Protein change: p.Pro756=; no amino-acid change (proline 756 retained).
Molecular consequence: synonymous variant. On other transcripts: intron variant (1).
Genome position (GRCh38, 1-based): chr19:49,196,497, G>A. VCF-style: chr19-49196497-G-A. GRCh37 (hg19) VCF-style: chr19-49699754-G-A.
Other names: c.1923G>A, p.Pro641= (NM_001321281.2); c.660G>A, p.Pro220= (NM_001321282.2); c.1746G>A, p.Pro582= (NM_001321283.2); c.1206G>A, p.Pro402= (NM_001321285.2); c.2211-3803G>A (NM_001195227.2).
Identifiers: ClinVar variation 1660394 (VCV001660394.11), dbSNP rs752448175, ClinGen allele CA9569514.